The following is an entry in ClinVar:

NM_017763.6(RNF43):c.1317G>A (p.Arg439=)

Gene: RNF43 (ring finger protein 43; minus strand). Cytogenetic location: 17q22.
Variant type: single nucleotide variant.
Coding change: c.1317G>A on transcript NM_017763.6 (MANE Select); coding-DNA position 1317, G replaced by A.
Protein change: p.Arg439=; no amino-acid change (arginine 439 retained).
Molecular consequence: synonymous variant.
Genome position (GRCh38, 1-based): chr17:58,358,459, C>T on the plus strand (G>A on the coding strand, the complement: RNF43 is on the minus strand). VCF-style: chr17-58358459-C-T. GRCh37 (hg19) VCF-style: chr17-56435820-C-T.
Other names: c.1317G>A, p.Arg439= (NM_001305544.3); c.936G>A, p.Arg312= (NM_001305545.2).
Identifiers: ClinVar variation 1139097 (VCV001139097.18), dbSNP rs767663775, ClinGen allele CA8673196.

ClinVar aggregate classification (germline): Conflicting classifications of pathogenicity. Review status: criteria provided, conflicting classifications (1 of 4 stars). 6 submissions from 6 submitters: Uncertain significance (1); Benign (1); Likely benign (4). Last evaluated 2026-07-01.

Conditions:
Sessile serrated polyposis cancer syndrome (SSPCS). Identifiers: Orphanet 157798, MedGen C4310714, MONDO:0014919, OMIM 617108.

Allele frequency attached by ClinVar (database versions not stated): gnomAD 0.00004 and 0.00005; gnomAD exomes 0.00004 and 0.00007; ExAC 0.00005; TOPMed 0.00006.
gnomAD v4.1: 102 of 1,613,702 alleles (0.0063%); highest among the groups gnomAD compares: Admixed American, 0.015%; no homozygotes.

Submissions (6):

Myriad Genetics, Inc.
Classification: Benign for Sessile serrated polyposis cancer syndrome. Last evaluated: 2026-07-01. Review status: criteria provided, single submitter. Criteria: Myriad Autosomal Dominant, Autosomal Recessive and X-Linked Classification Criteria (2023). Collection method: clinical testing. Allele origin: unknown.
Comment: This variant is considered benign. This variant is a silent/synonymous amino acid change and it is not expected to impact splicing.

CeGaT Center for Human Genetics Tuebingen
Classification: Likely benign. Last evaluated: 2025-09-01. Review status: criteria provided, single submitter. Criteria: CeGaT Center For Human Genetics Tuebingen Variant Classification Criteria Version 2. Collection method: clinical testing. Allele origin: germline. Affected: yes. Observed: 1 variant allele.
Comment: RNF43: BP4, BP7

Labcorp Genetics (formerly Invitae), Labcorp
Classification: Likely benign. Last evaluated: 2025-05-02. Review status: criteria provided, single submitter. Criteria: Invitae Variant Classification Sherloc (09022015). Collection method: clinical testing. Allele origin: germline.

Center for Genomic Medicine, Rigshospitalet, Copenhagen University Hospital
Classification: Likely benign. Last evaluated: 2025-03-04. Review status: criteria provided, single submitter. Criteria: ACMG Guidelines, 2015. Collection method: clinical testing. Allele origin: germline.

Ambry Genetics
Classification: Likely benign. Last evaluated: 2024-11-18. Review status: criteria provided, single submitter. Criteria: Ambry Variant Classification Scheme 2023. Collection method: clinical testing. Allele origin: germline.

GeneDx
Classification: Uncertain significance. Last evaluated: 2024-08-09. Review status: criteria provided, single submitter. Criteria: GeneDx Variant Classification Process June 2021. Collection method: clinical testing. Allele origin: germline. Affected: yes.
Comment: In silico analysis indicates that this variant does not alter splicing; Has not been previously published as pathogenic or benign to our knowledge